The following is an entry in ClinVar:

NM_014975.3(MAST1):c.4418C>A (p.Ala1473Asp)

Gene: MAST1 (microtubule associated serine/threonine kinase 1; plus strand). Cytogenetic location: 19p13.13.
Variant type: single nucleotide variant.
Coding change: c.4418C>A on transcript NM_014975.3 (MANE Select); coding-DNA position 4418, C replaced by A.
Protein change: p.Ala1473Asp; replaces alanine 1473 with aspartic acid.
Molecular consequence: missense variant.
Genome position (GRCh38, 1-based): chr19:12,874,575, C>A. VCF-style: chr19-12874575-C-A. GRCh37 (hg19) VCF-style: chr19-12985389-C-A.
Other names: short protein forms A1473D.
Identifiers: ClinVar variation 2717645 (VCV002717645.3), dbSNP rs1049820817, ClinGen allele CA404291849.
Genomic context (GRCh38, chr19:12,874,575, plus strand): 5'-TGGGCGCGGACTCCAAGGGGTTGCAGGAACCCGCACCCCTGGCGCCTTCCGTGCCCGAGG[C>A]CCCCCGGGGCCGGGAGCGCTGGGTGTTGGAGGTGGTGGAGGAGCGCACCACGCTGAGCGG-3'
Protein context (NP_055790.1, residues 1463-1483): PAPLAPSVPE[Ala1473Asp]PRGRERWVLE

ClinVar aggregate classification (germline): Uncertain significance (1 of 4 stars; one submission).

Submission:

Labcorp Genetics (formerly Invitae), Labcorp
Classification: Uncertain significance. Last evaluated: 2023-06-25. Review status: criteria provided, single submitter. Criteria: Invitae Variant Classification Sherloc (09022015). Collection method: clinical testing. Allele origin: germline.
Comment: In summary, the available evidence is currently insufficient to determine the role of this variant in disease. Therefore, it has been classified as a Variant of Uncertain Significance. An algorithm developed to predict the effect of missense changes on protein structure and function (PolyPhen-2) suggests that this variant is likely to be tolerated. This variant has not been reported in the literature in individuals affected with MAST1-related conditions. This variant is not present in population databases (gnomAD no frequency). This sequence change replaces alanine, which is neutral and non-polar, with aspartic acid, which is acidic and polar, at codon 1473 of the MAST1 protein (p.Ala1473Asp).